The following is an entry in ClinVar:

NM_000038.6(APC):c.761C>G (p.Ser254Ter)

Gene: APC (APC regulator of Wnt signaling pathway; plus strand). Cytogenetic location: 5q22.2.
Variant type: single nucleotide variant.
Coding change: c.761C>G on transcript NM_000038.6 (MANE Select); coding-DNA position 761, C replaced by G.
Protein change: p.Ser254Ter; replaces serine 254 with a stop codon.
Molecular consequence: nonsense. On other transcripts: 5 prime UTR variant (1).
Genome position (GRCh38, 1-based): chr5:112,801,310, C>G. VCF-style: chr5-112801310-C-G. GRCh37 (hg19) VCF-style: chr5-112137007-C-G.
Other names: c.761C>G, p.Ser254Ter (NM_001127510.3, NM_001354895.2, NM_001354896.2 and 1 more transcripts); c.707C>G, p.Ser236Ter (NM_001127511.3); c.791C>G, p.Ser264Ter (NM_001354897.2, NM_001354902.2); c.686C>G, p.Ser229Ter (NM_001354898.2, NM_001354904.2); c.677C>G, p.Ser226Ter (NM_001354899.2); c.584C>G, p.Ser195Ter (NM_001354900.2, NM_001354901.2, NM_001354905.2); c.-275C>G (NM_001354906.2); short protein forms S236*, S254*, S229*, S264*, S195*, S226*.
Identifiers: ClinVar variation 411489 (VCV000411489.16), dbSNP rs1060503334, ClinGen allele CA16022997.
Genomic context (GRCh38, chr5:112,801,310, plus strand): 5'-ATGTACTGATGTTAACTCCATCTTAACAGAGGTCATCTCAGAACAAGCATGAAACCGGCT[C>G]ACATGATGCTGAGCGGCAGAATGAAGGTCAAGGAGTGGGAGAAATCAACATGGCAACTTC-3'

ClinVar aggregate classification (germline): Pathogenic. Review status: criteria provided, multiple submitters, no conflicts (2 of 4 stars). 3 submissions from 3 submitters: Pathogenic (3). Last evaluated 2025-09-05.

Conditions:
Familial adenomatous polyposis 1 (FAP1). Also called: FAMILIAL ADENOMATOUS POLYPOSIS 1, ATTENUATED; POLYPOSIS, ADENOMATOUS INTESTINAL. Identifiers: MedGen C2713442, MONDO:0021056, OMIM 175100. Disease mechanism: loss of function.
Hereditary cancer-predisposing syndrome. Also called: Tumor predisposition; Hereditary Cancer Syndrome; Hereditary neoplastic syndrome; Neoplastic Syndromes, Hereditary. Identifiers: Orphanet 140162, MedGen C0027672, MeSH D009386, MONDO:0015356.

gnomAD v4.1: 1 of 1,613,056 alleles (0.000062%); highest among the groups gnomAD compares: Non-Finnish European, 0.000085%; no homozygotes.

Submissions (3):

Labcorp Genetics (formerly Invitae), Labcorp
Classification: Pathogenic for Familial adenomatous polyposis 1. Last evaluated: 2025-09-05. Review status: criteria provided, single submitter. Criteria: Invitae Variant Classification Sherloc (09022015). Collection method: clinical testing. Allele origin: germline.
Comment: This sequence change creates a premature translational stop signal (p.Ser254*) in the APC gene. It is expected to result in an absent or disrupted protein product. Loss-of-function variants in APC are known to be pathogenic (PMID: 17963004, 20685668). This variant is not present in population databases (gnomAD no frequency). This premature translational stop signal has been observed in individual(s) with attenuated familial adenomatous polyposis (PMID: 23159591). ClinVar contains an entry for this variant (Variation ID: 411489). For these reasons, this variant has been classified as Pathogenic.

Ambry Genetics
Classification: Pathogenic for Hereditary cancer-predisposing syndrome. Last evaluated: 2023-10-11. Review status: criteria provided, single submitter. Criteria: Ambry Variant Classification Scheme 2023. Collection method: clinical testing. Allele origin: germline.
Comment: The p.S254* pathogenic mutation (also known as c.761C>G), located in coding exon 7 of the APC gene, results from a C to G substitution at nucleotide position 761. This changes the amino acid from a serine to a stop codon within coding exon 7. In a large (n=1591) series of patients referred for APC testing, this alteration was detected in 1 individual (Kerr SE et al. J Mol Diagn, 2013 Jan;15:31-43). This variant is considered to be rare based on population cohorts in the Genome Aggregation Database (gnomAD). In addition to the clinical data presented in the literature, this alteration is expected to result in loss of function by premature protein truncation or nonsense-mediated mRNA decay. As such, this alteration is interpreted as a disease-causing mutation.

Myriad Genetics, Inc.
Classification: Pathogenic for Familial adenomatous polyposis 1. Last evaluated: 2023-04-27. Review status: criteria provided, single submitter. Criteria: Myriad Autosomal Dominant, Autosomal Recessive and X-Linked Classification Criteria (2023). Collection method: clinical testing. Allele origin: unknown.
Comment: This variant is considered pathogenic. This variant creates a termination codon and is predicted to result in premature protein truncation.

Literature cited by the submitters: PubMed 17963004 (cited by Labcorp Genetics (formerly Invitae), Labcorp); PubMed 20685668 (cited by Labcorp Genetics (formerly Invitae), Labcorp); PubMed 23159591 (cited by Labcorp Genetics (formerly Invitae), Labcorp and Ambry Genetics).